The following is an entry in ClinVar:

ClinVar aggregate classification (germline): Likely benign (1 of 4 stars; one submission).

Allele frequency attached by ClinVar (database versions not stated): gnomAD exomes below 0.00001; gnomAD 0.00001; TOPMed 0.00001.

Submission:

GeneDx
Classification: Likely benign. Last evaluated: 2016-03-09. Review status: criteria provided, single submitter. Criteria: GeneDx Variant Classification (06012015). Collection method: clinical testing. Allele origin: germline. Affected: yes.
Comment: This variant is considered likely benign or benign based on one or more of the following criteria: it is a conservative change, it occurs at a poorly conserved position in the protein, it is predicted to be benign by multiple in silico algorithms, and/or has population frequency not consistent with disease.

NM_000257.4(MYH7):c.-29A>G

Gene: MYH7 (myosin heavy chain 7; minus strand). Cytogenetic location: 14q11.2.
Variant type: single nucleotide variant.
Coding change: c.-29A>G on transcript NM_000257.4 (MANE Select); 29 bases upstream of the start codon, A replaced by G.
Molecular consequence: 5 prime UTR variant.
Genome position (GRCh38, 1-based): chr14:23,434,214, T>C on the plus strand (A>G on the coding strand, the complement: MYH7 is on the minus strand). VCF-style: chr14-23434214-T-C. GRCh37 (hg19) VCF-style: chr14-23903423-T-C.
Other names: c.-29A>G (LRG_384t1).
Identifiers: ClinVar variation 384659 (VCV000384659.1), dbSNP rs1057522027, ClinGen allele CA16606838.